The following is an entry in ClinVar:

ClinVar aggregate classification (germline): Likely pathogenic (0 of 4 stars; one submission).

Conditions:
BLM-related disorder. Also called: BLM-related condition.

Submission:

PreventionGenetics, part of Exact Sciences
Classification: Likely pathogenic for BLM-related condition. Last evaluated: 2024-05-16. Review status: no assertion criteria provided. Collection method: clinical testing. Allele origin: germline.
Comment: The BLM c.40G>T variant is predicted to result in premature protein termination (p.Glu14*). To our knowledge, this variant has not been reported in the literature or in a large population database, indicating this variant is rare. Nonsense variants in BLM are expected to be pathogenic. This variant is interpreted as likely pathogenic.

NM_000057.4(BLM):c.40G>T (p.Glu14Ter)

Gene: BLM (BLM RecQ like helicase; plus strand). Cytogenetic location: 15q26.1.
Variant type: single nucleotide variant.
Coding change: c.40G>T on transcript NM_000057.4 (MANE Select); coding-DNA position 40, G replaced by T.
Protein change: p.Glu14Ter; replaces glutamic acid 14 with a stop codon.
Molecular consequence: nonsense. On other transcripts: 5 prime UTR variant (1).
Genome position (GRCh38, 1-based): chr15:90,747,432, G>T. VCF-style: chr15-90747432-G-T. GRCh37 (hg19) VCF-style: chr15-91290662-G-T.
Other names: c.40G>T, p.Glu14Ter (NM_001287246.2, NM_001287247.2); c.-1252G>T (NM_001287248.2); short protein forms E14*.
Identifiers: ClinVar variation 3344526 (VCV003344526.1).